The following is an entry in ClinVar:

ClinVar aggregate classification (germline): Uncertain significance. Review status: criteria provided, multiple submitters, no conflicts (2 of 4 stars). 2 submissions from 2 submitters: Uncertain significance (2). Last evaluated 2026-07-29.

Conditions:
Inborn genetic diseases. Identifiers: MedGen C0950123, MeSH D030342.

gnomAD v4.1: 2 of 1,614,042 alleles (0.00012%); highest among the groups gnomAD compares: Non-Finnish European, 0.00017%; no homozygotes.

Submissions (2):

Ambry Genetics
Classification: Uncertain significance for Inborn genetic diseases. Last evaluated: 2026-07-29. Review status: criteria provided, single submitter. Criteria: Ambry Variant Classification Scheme 2023. Collection method: clinical testing. Allele origin: germline.

Labcorp Genetics (formerly Invitae), Labcorp
Classification: Uncertain significance. Last evaluated: 2024-08-06. Review status: criteria provided, single submitter. Criteria: Invitae Variant Classification Sherloc (09022015). Collection method: clinical testing. Allele origin: germline.
Comment: This sequence change replaces valine, which is neutral and non-polar, with methionine, which is neutral and non-polar, at codon 307 of the COL7A1 protein (p.Val307Met). This variant is present in population databases (rs764145071, gnomAD 0.0009%). This variant has not been reported in the literature in individuals affected with COL7A1-related conditions. Advanced modeling of protein sequence and biophysical properties (such as structural, functional, and spatial information, amino acid conservation, physicochemical variation, residue mobility, and thermodynamic stability) has been performed at Invitae for this missense variant, however the output from this modeling did not meet the statistical confidence thresholds required to predict the impact of this variant on COL7A1 protein function. In summary, the available evidence is currently insufficient to determine the role of this variant in disease. Therefore, it has been classified as a Variant of Uncertain Significance.

NM_000094.4(COL7A1):c.919G>A (p.Val307Met)

Gene: COL7A1 (collagen type VII alpha 1 chain; minus strand). Cytogenetic location: 3p21.31.
Variant type: single nucleotide variant.
Coding change: c.919G>A on transcript NM_000094.4 (MANE Select); coding-DNA position 919, G replaced by A.
Protein change: p.Val307Met; replaces valine 307 with methionine.
Molecular consequence: missense variant.
Genome position (GRCh38, 1-based): chr3:48,592,627, C>T on the plus strand (G>A on the coding strand, the complement: COL7A1 is on the minus strand). VCF-style: chr3-48592627-C-T. GRCh37 (hg19) VCF-style: chr3-48630060-C-T.
Other names: short protein forms V307M.
Identifiers: ClinVar variation 3671004 (VCV003671004.3).